The following is an entry in ClinVar:

ClinVar aggregate classification (germline): Uncertain significance. Review status: criteria provided, multiple submitters, no conflicts (2 of 4 stars). 3 submissions from 3 submitters: Uncertain significance (2). 1 of the submissions does not count toward it. Last evaluated 2025-12-23.

Conditions:
A2ML1-related disorder. Also called: A2ML1-related condition.

Allele frequency attached by ClinVar (database versions not stated): ExAC 0.00005; gnomAD 0.00006 and 0.00007; gnomAD exomes 0.00008; TOPMed 0.00009.
gnomAD v4.1: 137 of 1,614,082 alleles (0.0085%); highest among the groups gnomAD compares: South Asian, 0.015%; no homozygotes.

Submissions (3):

Labcorp Genetics (formerly Invitae), Labcorp
Classification: Uncertain significance. Last evaluated: 2025-12-23. Review status: criteria provided, single submitter. Criteria: Invitae Variant Classification Sherloc (09022015). Collection method: clinical testing. Allele origin: germline.
Comment: This sequence change creates a premature translational stop signal (p.Arg443*) in the A2ML1 gene. It is expected to result in an absent or disrupted protein product. However, the current clinical and genetic evidence is not sufficient to establish whether loss-of-function variants in A2ML1 cause disease. This variant is present in population databases (rs550751327, gnomAD 0.02%). This variant has not been reported in the literature in individuals affected with A2ML1-related conditions. ClinVar contains an entry for this variant (Variation ID: 1016987). In summary, the available evidence is currently insufficient to determine the role of this variant in disease. Therefore, it has been classified as a Variant of Uncertain Significance.

Revvity Omics, Revvity
Classification: Uncertain significance. Last evaluated: 2021-11-28. Review status: criteria provided, single submitter. Criteria: ACMG Guidelines, 2015. Collection method: clinical testing. Allele origin: germline.

PreventionGenetics, part of Exact Sciences
Classification: Uncertain significance for A2ML1-related condition. Last evaluated: 2024-01-24. Review status: no assertion criteria provided. Collection method: clinical testing. Allele origin: germline. Not counted in ClinVar's aggregate classification.
Comment: The A2ML1 c.1327C>T variant is predicted to result in premature protein termination (p.Arg443*). To our knowledge, this variant has not been reported in the literature. This variant is reported in 0.020% of alleles in individuals of South Asian descent in gnomAD. Loss of function variants in A2ML1 are not an established mechanism of disease. Therefore, the clinical significance of this variant is uncertain.

NM_144670.6(A2ML1):c.1327C>T (p.Arg443Ter)

Gene: A2ML1 (alpha-2-macroglobulin like 1; plus strand). Cytogenetic location: 12p13.31.
Variant type: single nucleotide variant.
Coding change: c.1327C>T on transcript NM_144670.6 (MANE Select); coding-DNA position 1327, C replaced by T.
Protein change: p.Arg443Ter; replaces arginine 443 with a stop codon.
Molecular consequence: nonsense.
Genome position (GRCh38, 1-based): chr12:8,843,212, C>T. VCF-style: chr12-8843212-C-T. GRCh37 (hg19) VCF-style: chr12-8995808-C-T.
Other names: c.1327C>T (NM_144670.5); short protein forms R443*.
Identifiers: ClinVar variation 1016987 (VCV001016987.10), dbSNP rs550751327, ClinGen allele CA6435623.